The following is an entry in ClinVar:

ClinVar aggregate classification (germline): Uncertain significance. Review status: criteria provided, multiple submitters, no conflicts (2 of 4 stars). 2 submissions from 2 submitters: Uncertain significance (2). Last evaluated 2024-11-19.

Conditions:
Inborn genetic diseases. Identifiers: MedGen C0950123, MeSH D030342.

Allele frequency attached by ClinVar (database versions not stated): ExAC 0.00001; gnomAD exomes 0.00002; gnomAD 0.00003; TOPMed 0.00004.
gnomAD v4.1: 17 of 1,613,930 alleles (0.0011%); highest among the groups gnomAD compares: Admixed American, 0.015%; no homozygotes.

Submissions (2):

Labcorp Genetics (formerly Invitae), Labcorp
Classification: Uncertain significance. Last evaluated: 2024-11-19. Review status: criteria provided, single submitter. Criteria: Invitae Variant Classification Sherloc (09022015). Collection method: clinical testing. Allele origin: germline.
Comment: This sequence change replaces valine, which is neutral and non-polar, with methionine, which is neutral and non-polar, at codon 319 of the COL7A1 protein (p.Val319Met). This variant is present in population databases (rs768325148, gnomAD 0.01%). This variant has not been reported in the literature in individuals affected with COL7A1-related conditions. ClinVar contains an entry for this variant (Variation ID: 2158693). Invitae Evidence Modeling of protein sequence and biophysical properties (such as structural, functional, and spatial information, amino acid conservation, physicochemical variation, residue mobility, and thermodynamic stability) indicates that this missense variant is not expected to disrupt COL7A1 protein function with a negative predictive value of 95%. In summary, the available evidence is currently insufficient to determine the role of this variant in disease. Therefore, it has been classified as a Variant of Uncertain Significance.

Ambry Genetics
Classification: Uncertain significance for Inborn genetic diseases. Last evaluated: 2023-12-01. Review status: criteria provided, single submitter. Criteria: Ambry Variant Classification Scheme 2023. Collection method: clinical testing. Allele origin: germline.

NM_000094.4(COL7A1):c.955G>A (p.Val319Met)

Gene: COL7A1 (collagen type VII alpha 1 chain; minus strand). Cytogenetic location: 3p21.31.
Variant type: single nucleotide variant.
Coding change: c.955G>A on transcript NM_000094.4 (MANE Select); coding-DNA position 955, G replaced by A.
Protein change: p.Val319Met; replaces valine 319 with methionine.
Molecular consequence: missense variant.
Genome position (GRCh38, 1-based): chr3:48,592,591, C>T on the plus strand (G>A on the coding strand, the complement: COL7A1 is on the minus strand). VCF-style: chr3-48592591-C-T. GRCh37 (hg19) VCF-style: chr3-48630024-C-T.
Other names: short protein forms V319M.
Identifiers: ClinVar variation 2158693 (VCV002158693.4), dbSNP rs768325148, ClinGen allele CA2381394.